The following is an entry in ClinVar:

ClinVar aggregate classification (germline): Uncertain significance (1 of 4 stars; one submission).

Conditions:
Arrhythmogenic cardiomyopathy with wooly hair and keratoderma. Also called: Dilated cardiomyopathy with woolly hair and keratoderma; Arrhythmogenic cardiomyopathy with woolly hair and keratoderma; PALMOPLANTAR KERATODERMA WITH LEFT VENTRICULAR CARDIOMYOPATHY AND WOOLLY HAIR; Carvajal syndrome. Identifiers: Orphanet 65282, MedGen C1854063, MONDO:0011581, OMIM 605676.
Arrhythmogenic right ventricular dysplasia 8 (ARVD8). Also called: Arrhythmogenic Right Ventricular Dysplasia/Cardiomyopathy 8; ARRHYTHMOGENIC RIGHT VENTRICULAR DYSPLASIA, FAMILIAL, 8; ARRHYTHMOGENIC RIGHT VENTRICULAR CARDIOMYOPATHY 8. Identifiers: MedGen C1843896, MONDO:0011831, OMIM 607450.

Submission:

Labcorp Genetics (formerly Invitae), Labcorp
Classification: Uncertain significance for Arrhythmogenic cardiomyopathy with wooly hair and keratoderma; Arrhythmogenic right ventricular dysplasia 8. Last evaluated: 2024-01-23. Review status: criteria provided, single submitter. Criteria: Invitae Variant Classification Sherloc (09022015). Collection method: clinical testing. Allele origin: germline.
Comment: This sequence change replaces alanine, which is neutral and non-polar, with threonine, which is neutral and polar, at codon 343 of the DSP protein (p.Ala343Thr). This variant is not present in population databases (gnomAD no frequency). This variant has not been reported in the literature in individuals affected with DSP-related conditions. An algorithm developed to predict the effect of missense changes on protein structure and function (PolyPhen-2) suggests that this variant is likely to be disruptive. In summary, the available evidence is currently insufficient to determine the role of this variant in disease. Therefore, it has been classified as a Variant of Uncertain Significance.

NM_004415.4(DSP):c.1027G>A (p.Ala343Thr)

Gene: DSP (desmoplakin; plus strand). Cytogenetic location: 6p24.3.
Variant type: single nucleotide variant.
Coding change: c.1027G>A on transcript NM_004415.4 (MANE Select); coding-DNA position 1027, G replaced by A.
Protein change: p.Ala343Thr; replaces alanine 343 with threonine.
Molecular consequence: missense variant.
Genome position (GRCh38, 1-based): chr6:7,566,464, G>A. VCF-style: chr6-7566464-G-A. GRCh37 (hg19) VCF-style: chr6-7566697-G-A.
Other names: c.1027G>A, p.Ala343Thr (NM_001008844.3, NM_001319034.2, NM_001406591.1); short protein forms A343T.
Identifiers: ClinVar variation 2925144 (VCV002925144.3), dbSNP rs2533876498, ClinGen allele CA362674935.
Genomic context (GRCh38, chr6:7,566,464, plus strand): 5'-GAAAAAGAGCTCAATAAGCTGAAACAAGAAAGTGACCAACTTGTCCTCAATCAGCATCCA[G>A]CTTCAGACAAAATTGAGGTAGGCTTCATGAGGTTTATATTTTTGTTAGAAAAAAAAAAAC-3'
Protein context (NP_004406.2, residues 333-353): SDQLVLNQHP[Ala343Thr]SDKIEAYMDT